The following is an entry in ClinVar:

ClinVar aggregate classification (germline): Likely benign. Review status: criteria provided, multiple submitters, no conflicts (2 of 4 stars). 4 submissions from 4 submitters: Likely benign (3). 1 of the submissions does not count toward it. Last evaluated 2026-01-20.

Conditions:
Bardet-Biedl syndrome (BBS). Identifiers: Orphanet 110, MedGen C0752166, MONDO:0015229.
BBS10-related disorder. Also called: BBS10-related condition.
Bardet-Biedl syndrome 10 (BBS10). Identifiers: Orphanet 110, MedGen C1859568, MONDO:0014438, OMIM 615987.

Allele frequency attached by ClinVar (database versions not stated): gnomAD exomes 0.00001 and 0.00004; ExAC 0.00007; ESP Exome Variant Server 0.00008; gnomAD 0.00013 and 0.00014; TOPMed 0.00014; 1000 Genomes Project 30x 0.00016; 1000 Genomes Project 0.00020.
gnomAD v4.1: 41 of 1,611,558 alleles (0.0025%); highest among the groups gnomAD compares: African/African-American, 0.048%; no homozygotes.

Submissions (4):

Labcorp Genetics (formerly Invitae), Labcorp
Classification: Likely benign for Bardet-Biedl syndrome. Last evaluated: 2026-01-20. Review status: criteria provided, single submitter. Criteria: Invitae Variant Classification Sherloc (09022015). Collection method: clinical testing. Allele origin: germline.

Fulgent Genetics
Classification: Likely benign for Bardet-Biedl syndrome 10. Last evaluated: 2021-10-20. Review status: criteria provided, single submitter. Criteria: ACMG Guidelines, 2015. Collection method: clinical testing. Allele origin: unknown.

Blueprint Genetics
Classification: Likely benign. Last evaluated: 2021-02-26. Review status: criteria provided, single submitter. Criteria: ACMG Guidelines, 2015. Collection method: clinical testing. Allele origin: germline.

PreventionGenetics, part of Exact Sciences
Classification: Likely benign for BBS10-related condition. Last evaluated: 2020-08-10. Review status: no assertion criteria provided. Collection method: clinical testing. Allele origin: germline. Not counted in ClinVar's aggregate classification.
Comment: This variant is classified as likely benign based on ACMG/AMP sequence variant interpretation guidelines (Richards et al. 2015 PMID: 25741868, with internal and published modifications).

NM_024685.4(BBS10):c.1050A>G (p.Pro350=)

Gene: BBS10 (Bardet-Biedl syndrome 10; minus strand). Cytogenetic location: 12q21.2.
Variant type: single nucleotide variant.
Coding change: c.1050A>G on transcript NM_024685.4 (MANE Select); coding-DNA position 1050, A replaced by G.
Protein change: p.Pro350=; no amino-acid change (proline 350 retained).
Molecular consequence: synonymous variant.
Genome position (GRCh38, 1-based): chr12:76,346,935, T>C on the plus strand (A>G on the coding strand, the complement: BBS10 is on the minus strand). VCF-style: chr12-76346935-T-C. GRCh37 (hg19) VCF-style: chr12-76740715-T-C.
Identifiers: ClinVar variation 696297 (VCV000696297.15), dbSNP rs370953693, ClinGen allele CA6694235.